The following is an entry in ClinVar:

ClinVar aggregate classification (germline): Likely benign. Review status: criteria provided, multiple submitters, no conflicts (2 of 4 stars). 3 submissions from 3 submitters: Likely benign (3). Last evaluated 2026-07-17.

Conditions:
Baraitser-Winter syndrome 1 (BRWS1). Also called: BARAITSER-WINTER SYNDROME 1, ATYPICAL; PACHYGYRIA, MENTAL RETARDATION, EPILEPSY, AND CHARACTERISTIC FACIES; MENTAL RETARDATION WITH EPILEPSY AND CHARACTERISTIC FACIES; Cerebrofrontofacial syndrome. Identifiers: Orphanet 2649, Orphanet 2995, MedGen C1855722, MONDO:0009470, OMIM 243310.
ACTB-related disorder. Also called: ACTB-related disorders; ACTB-related condition.

Allele frequency attached by ClinVar (database versions not stated): gnomAD exomes below 0.00001; gnomAD 0.00001; TOPMed 0.00002; 1000 Genomes Project 0.00020; 1000 Genomes Project 30x 0.00031.
gnomAD v4.1: 5 of 1,614,070 alleles (0.00031%); highest among the groups gnomAD compares: Admixed American, 0.0067%; no homozygotes.

Submissions (3):

PreventionGenetics, part of Exact Sciences
Classification: Likely benign for ACTB-related condition. Last evaluated: 2026-07-17. Review status: criteria provided, single submitter. Criteria: ACMG Guidelines, 2015. Collection method: clinical testing. Allele origin: germline.
Comment: This variant is classified as likely benign based on ACMG/AMP sequence variant interpretation guidelines (Richards et al. 2015 PMID: 25741868, with internal and published modifications).

Labcorp Genetics (formerly Invitae), Labcorp
Classification: Likely benign for Baraitser-Winter syndrome 1. Last evaluated: 2026-02-01. Review status: criteria provided, single submitter. Criteria: Invitae Variant Classification Sherloc (09022015). Collection method: clinical testing. Allele origin: germline.

Blueprint Genetics
Classification: Likely benign. Last evaluated: 2024-06-06. Review status: criteria provided, single submitter. Criteria: ACMG Guidelines, 2015. Collection method: clinical testing. Allele origin: germline.

NM_001101.5(ACTB):c.264C>T (p.His88=)

Gene: ACTB (actin beta; minus strand). Cytogenetic location: 7p22.1.
Variant type: single nucleotide variant.
Coding change: c.264C>T on transcript NM_001101.5 (MANE Select); coding-DNA position 264, C replaced by T.
Protein change: p.His88=; no amino-acid change (histidine 88 retained).
Molecular consequence: synonymous variant.
Genome position (GRCh38, 1-based): chr7:5,529,260, G>A on the plus strand (C>T on the coding strand, the complement: ACTB is on the minus strand). VCF-style: chr7-5529260-G-A. GRCh37 (hg19) VCF-style: chr7-5568891-G-A.
Other names: c.264C>T (LRG_132t1).
Identifiers: ClinVar variation 534593 (VCV000534593.14), dbSNP rs574137728, ClinGen allele CA153195682.
Genomic context (GRCh38, chr7:5,529,260, plus strand): 5'-GGCCTCGGTCAGCAGCACGGGGTGCTCCTCGGGAGCCACACGCAGCTCATTGTAGAAGGT[G>A]TGGTGCCAGATTTTCTCCATGTCGTCCCAGTTGGTGACGATGCCGTGCTCGATGGGGTAC-3'
Protein context (NP_001092.1, residues 78-98): NWDDMEKIWH[His88=]TFYNELRVAP